The following is an entry in ClinVar:

ClinVar aggregate classification (germline): Uncertain significance (1 of 4 stars; one submission).

Conditions:
Retinitis pigmentosa 12 (RP12). Also called: RP WITH OR WITHOUT PPRPE; RP WITH OR WITHOUT PRESERVED PARAARTERIOLE RETINAL PIGMENT EPITHELIUM; RETINITIS PIGMENTOSA WITH OR WITHOUT PARAARTERIOLAR PRESERVATION OF RETINAL PIGMENT EPITHELIUM. Identifiers: Orphanet 791, MedGen C1838647, MONDO:0010818, OMIM 600105.
Leber congenital amaurosis 8 (LCA8). Identifiers: Orphanet 65, MedGen C3151202, MONDO:0013453, OMIM 613835.

Allele frequency attached by ClinVar (database versions not stated): gnomAD exomes below 0.00001; ExAC 0.00001.
gnomAD v4.1: 2 of 1,614,176 alleles (0.00012%); highest among the groups gnomAD compares: African/African-American, 0.0013%; no homozygotes.

Submission:

Labcorp Genetics (formerly Invitae), Labcorp
Classification: Uncertain significance for Leber congenital amaurosis 8; Retinitis pigmentosa 12. Last evaluated: 2024-02-24. Review status: criteria provided, single submitter. Criteria: Invitae Variant Classification Sherloc (09022015). Collection method: clinical testing. Allele origin: germline.
Comment: This sequence change replaces alanine, which is neutral and non-polar, with serine, which is neutral and polar, at codon 595 of the CRB1 protein (p.Ala595Ser). This variant is present in population databases (rs752212470, gnomAD 0.0009%). This variant has not been reported in the literature in individuals affected with CRB1-related conditions. ClinVar contains an entry for this variant (Variation ID: 642023). Algorithms developed to predict the effect of missense changes on protein structure and function output the following: SIFT: "Not Available"; PolyPhen-2: "Benign"; Align-GVGD: "Not Available". The serine amino acid residue is found in multiple mammalian species, which suggests that this missense change does not adversely affect protein function. In summary, the available evidence is currently insufficient to determine the role of this variant in disease. Therefore, it has been classified as a Variant of Uncertain Significance.

NM_201253.3(CRB1):c.1783G>T (p.Ala595Ser)

Gene: CRB1 (crumbs cell polarity complex component 1; plus strand). Cytogenetic location: 1q31.3.
Variant type: single nucleotide variant.
Coding change: c.1783G>T on transcript NM_201253.3 (MANE Select); coding-DNA position 1783, G replaced by T.
Protein change: p.Ala595Ser; replaces alanine 595 with serine.
Molecular consequence: missense variant. On other transcripts: non-coding transcript variant (1).
Genome position (GRCh38, 1-based): chr1:197,421,611, G>T. VCF-style: chr1-197421611-G-T. GRCh37 (hg19) VCF-style: chr1-197390741-G-T.
Other names: c.1447G>T, p.Ala483Ser (NM_001193640.2); c.1576G>T, p.Ala526Ser (NM_001257965.2); c.1783G>T, p.Ala595Ser (NM_001257966.2); short protein forms A483S, A595S, A526S.
Identifiers: ClinVar variation 642023 (VCV000642023.8), dbSNP rs752212470, ClinGen allele CA1311984.